The following is an entry in ClinVar:

NM_013291.3(CPSF1):c.2752G>A (p.Ala918Thr)

Gene: CPSF1 (cleavage and polyadenylation specific factor 1; minus strand). Cytogenetic location: 8q24.3.
Variant type: single nucleotide variant.
Coding change: c.2752G>A on transcript NM_013291.3 (MANE Select); coding-DNA position 2752, G replaced by A.
Protein change: p.Ala918Thr; replaces alanine 918 with threonine.
Molecular consequence: missense variant.
Genome position (GRCh38, 1-based): chr8:144,396,672, C>T on the plus strand (G>A on the coding strand, the complement: CPSF1 is on the minus strand). VCF-style: chr8-144396672-C-T. GRCh37 (hg19) VCF-style: chr8-145621887-C-T.
Other names: short protein forms A918T.
Identifiers: ClinVar variation 3350548 (VCV003350548.1).

ClinVar aggregate classification (germline): Likely benign (0 of 4 stars; one submission).

Conditions:
CPSF1-related disorder. Also called: CPSF1-related condition.

gnomAD v4.1: 64 of 1,613,902 alleles (0.004%); highest among the groups gnomAD compares: South Asian, 0.053%; 3 homozygotes.

Submission:

PreventionGenetics, part of Exact Sciences
Classification: Likely benign for CPSF1-related condition. Last evaluated: 2024-08-14. Review status: no assertion criteria provided. Collection method: clinical testing. Allele origin: germline.
Comment: This variant is classified as likely benign based on ACMG/AMP sequence variant interpretation guidelines (Richards et al. 2015 PMID: 25741868, with internal and published modifications).